The following is an entry in ClinVar:

NM_001271.4(CHD2):c.4184A>G (p.Lys1395Arg)

Gene: CHD2 (chromodomain helicase DNA binding protein 2; plus strand). Cytogenetic location: 15q26.1.
Variant type: single nucleotide variant.
Coding change: c.4184A>G on transcript NM_001271.4 (MANE Select); coding-DNA position 4184, A replaced by G.
Protein change: p.Lys1395Arg; replaces lysine 1395 with arginine.
Molecular consequence: missense variant.
Genome position (GRCh38, 1-based): chr15:93,002,223, A>G. VCF-style: chr15-93002223-A-G. GRCh37 (hg19) VCF-style: chr15-93545453-A-G.
Other names: short protein forms K1395R.
Identifiers: ClinVar variation 3691646 (VCV003691646.2).
Genomic context (GRCh38, chr15:93,002,223, plus strand): 5'-GTTTTGTTTCCTAGGATGATGGCTTGGAAAAAAGTCCAATGAAAAAAAAACAGAAGAAGA[A>G]AGAGAACAAGGAGAACAAGGAGAAACAAATGAGTTCTAGGAAAGACAAAGAAGGGGACAA-3'
Protein context (NP_001262.3, residues 1385-1405): KSPMKKKQKK[Lys1395Arg]ENKENKEKQM

ClinVar aggregate classification (germline): Uncertain significance (1 of 4 stars; one submission).

Conditions:
Developmental and epileptic encephalopathy 94 (DEE94). Also called: CHD2-Related Neurodevelopmental Disorders; Epileptic encephalopathy, childhood-onset. Identifiers: Orphanet 1942, Orphanet 2382, MedGen C3809278, MONDO:0014150, OMIM 615369.

gnomAD v4.1: 1 of 1,601,632 alleles (0.000062%); highest among the groups gnomAD compares: East Asian, 0.0022%; no homozygotes.

Submission:

Labcorp Genetics (formerly Invitae), Labcorp
Classification: Uncertain significance for Developmental and epileptic encephalopathy 94. Last evaluated: 2024-03-24. Review status: criteria provided, single submitter. Criteria: Invitae Variant Classification Sherloc (09022015). Collection method: clinical testing. Allele origin: germline.
Comment: This sequence change replaces lysine, which is basic and polar, with arginine, which is basic and polar, at codon 1395 of the CHD2 protein (p.Lys1395Arg). This variant is present in population databases (rs757608861, gnomAD 0.006%). This variant has not been reported in the literature in individuals affected with CHD2-related conditions. Advanced modeling of protein sequence and biophysical properties (such as structural, functional, and spatial information, amino acid conservation, physicochemical variation, residue mobility, and thermodynamic stability) performed at Invitae indicates that this missense variant is not expected to disrupt CHD2 protein function with a negative predictive value of 95%. In summary, the available evidence is currently insufficient to determine the role of this variant in disease. Therefore, it has been classified as a Variant of Uncertain Significance.